The following is an entry in ClinVar:

NM_018684.4(ZC4H2):c.450del (p.Ile151fs)

Gene: ZC4H2 (zinc finger C4H2-type containing; minus strand). Cytogenetic location: Xq11.2.
Variant type: Deletion.
Coding change: c.450del on transcript NM_018684.4 (MANE Select); coding-DNA position 450, one base deleted (C; older notation c.450delC).
Protein change: p.Ile151fs; shifts the reading frame from isoleucine 151.
Molecular consequence: frameshift variant. On other transcripts: non-coding transcript variant (1), intron variant (1).
Genome position (GRCh38, 1-based): chrX:64,919,153, G deleted on the plus strand (C on the coding strand, the reverse complement: ZC4H2 is on the minus strand); the first of 6 consecutive G bases (chrX:64,919,153-64,919,158); deleting any one gives the same sequence. VCF-style (leftmost placement, unchanged base first): chrX-64919152-TG-T. GRCh37 (hg19) VCF-style: chrX-64139032-TG-T.
Other names: c.398+928del (NM_001178033.3); c.381del, p.Ile128fs (NM_001178032.3, NM_001243804.2); short protein forms I128fs, I151fs.
Identifiers: ClinVar variation 1691750 (VCV001691750.4), dbSNP rs1555933851, ClinGen allele CA516907039.

ClinVar aggregate classification (germline): Pathogenic/Likely pathogenic. Review status: criteria provided, multiple submitters, no conflicts (2 of 4 stars). 2 submissions from 2 submitters: Pathogenic (1); Likely pathogenic (1). Last evaluated 2025-06-30.

Conditions:
Wieacker-Wolff syndrome. Also called: APRAXIA, OCULOMOTOR, WITH CONGENITAL CONTRACTURES AND MUSCLE ATROPHY; CONTRACTURES OF FEET, MUSCLE ATROPHY, AND OCULOMOTOR APRAXIA; Miles-Carpenter syndrome; Wieacker-Wolff, X-linked recessive; MENTAL RETARDATION, X-LINKED, SYNDROMIC 4; MENTAL RETARDATION, X-LINKED, WITH CONGENITAL CONTRACTURES AND LOW FINGERTIP ARCHES. Identifiers: Orphanet 3454, Orphanet 85283, MedGen C0796200, MONDO:0010758, OMIM 314580.
Wieacker-Wolff syndrome, female-restricted (WRWFFR). Identifiers: MedGen C5393303, MONDO:0026762, OMIM 301041.

Submissions (2):

GeneDx
Classification: Pathogenic. Last evaluated: 2025-06-30. Review status: criteria provided, single submitter. Criteria: GeneDx Variant Classification Process June 2021. Collection method: clinical testing. Allele origin: germline. Affected: yes.
Comment: Frameshift variant predicted to result in abnormal protein length as the last 74 amino acid(s) are replaced with 35 different amino acid(s), and other similar variants have been reported in HGMD; Not observed at significant frequency in large population cohorts (gnomAD); This variant is associated with the following publications: (PMID: 33057194, 26633542, 37596007)

Juno Genomics, Hangzhou Juno Genomics, Inc
Classification: Likely pathogenic for Wieacker-Wolff syndrome; Wieacker-Wolff syndrome, female-restricted. Review status: criteria provided, single submitter. Criteria: ACMG Guidelines, 2015. Collection method: clinical testing. Allele origin: germline. Affected: yes.
Comment: Absent from controls (or at extremely low frequency if recessive) in Genome Aggregation Database.;Null variant in a gene where loss of function (LOF) is a known mechanism of disease.;Patient's phenotype or family history is highly specific for a disease with a single genetic etiology.;Assumed de novo, but without confirmation of paternity and maternity.